The following is an entry in ClinVar:

NM_000260.4(MYO7A):c.3925-1G>T

Gene: MYO7A (myosin VIIA; plus strand). Cytogenetic location: 11q13.5.
Variant type: single nucleotide variant.
Coding change: c.3925-1G>T on transcript NM_000260.4 (MANE Select); the canonical splice acceptor site of the intron before coding-DNA position 3925, G replaced by T.
Molecular consequence: splice acceptor variant.
Genome position (GRCh38, 1-based): chr11:77,192,050, G>T. VCF-style: chr11-77192050-G-T. GRCh37 (hg19) VCF-style: chr11-76903095-G-T.
Other names: c.3892-1G>T (NM_001369365.1); c.3925-1G>T (NM_001127180.2).
Identifiers: ClinVar variation 1476351 (VCV001476351.6), dbSNP rs2135574922, ClinGen allele CA381948332.

ClinVar aggregate classification (germline): Likely pathogenic (1 of 4 stars; one submission).

Allele frequency attached by ClinVar (database versions not stated): gnomAD exomes below 0.00001.
gnomAD v4.1: 1 of 1,612,308 alleles (0.000062%); highest among the groups gnomAD compares: Non-Finnish European, 0.000085%; no homozygotes.

Submission:

Labcorp Genetics (formerly Invitae), Labcorp
Classification: Likely pathogenic. Last evaluated: 2021-06-28. Review status: criteria provided, single submitter. Criteria: Invitae Variant Classification Sherloc (09022015). Collection method: clinical testing. Allele origin: germline.
Comment: Algorithms developed to predict the effect of sequence changes on RNA splicing suggest that this variant may disrupt the consensus splice site. In summary, the currently available evidence indicates that the variant is pathogenic, but additional data are needed to prove that conclusively. Therefore, this variant has been classified as Likely Pathogenic. This variant has not been reported in the literature in individuals affected with MYO7A-related conditions. This variant is not present in population databases (ExAC no frequency). This sequence change affects an acceptor splice site in intron 30 of the MYO7A gene. It is expected to disrupt RNA splicing. Variants that disrupt the donor or acceptor splice site typically lead to a loss of protein function (PMID: 16199547), and loss-of-function variants in MYO7A are known to be pathogenic (PMID: 8900236, 25404053).

Literature cited by the submitters: PubMed 16199547; PubMed 8900236; PubMed 25404053.